The following is an entry in ClinVar:

ClinVar aggregate classification (germline): Uncertain significance (1 of 4 stars; one submission).

Conditions:
Hereditary cancer-predisposing syndrome. Also called: Hereditary Cancer Syndrome; Hereditary neoplastic syndrome; Tumor predisposition; Neoplastic Syndromes, Hereditary. Identifiers: Orphanet 140162, MedGen C0027672, MeSH D009386, MONDO:0015356.

Submission:

Ambry Genetics
Classification: Uncertain significance for Hereditary cancer-predisposing syndrome. Last evaluated: 2025-04-10. Review status: criteria provided, single submitter. Criteria: Ambry Variant Classification Scheme 2023. Collection method: clinical testing. Allele origin: germline.
Comment: The p.T779I variant (also known as c.2336C>T), located in coding exon 9 of the MET gene, results from a C to T substitution at nucleotide position 2336. The threonine at codon 779 is replaced by isoleucine, an amino acid with similar properties. This amino acid position is highly conserved in available vertebrate species. In addition, the in silico prediction for this alteration is inconclusive. Since supporting evidence is limited at this time, the clinical significance of this alteration remains unclear.

NM_000245.4(MET):c.2282C>T (p.Thr761Ile)

Gene: MET (MET proto-oncogene, receptor tyrosine kinase; plus strand). Cytogenetic location: 7q31.2.
Variant type: single nucleotide variant.
Coding change: c.2282C>T on transcript NM_000245.4 (MANE Select); coding-DNA position 2282, C replaced by T.
Protein change: p.Thr761Ile; replaces threonine 761 with isoleucine.
Molecular consequence: missense variant.
Genome position (GRCh38, 1-based): chr7:116,759,408, C>T. VCF-style: chr7-116759408-C-T. GRCh37 (hg19) VCF-style: chr7-116399462-C-T.
Other names: c.2336C>T, p.Thr779Ile (NM_001127500.3); c.2282C>T, p.Thr761Ile (NM_001324401.3); c.992C>T, p.Thr331Ile (NM_001324402.2); short protein forms T761I, T779I, T331I.
Identifiers: ClinVar variation 1789782 (VCV001789782.3), dbSNP rs2116937765, ClinGen allele CA368982003.